The following is an entry in ClinVar:

NM_000059.4(BRCA2):c.5626G>A (p.Glu1876Lys)

Gene: BRCA2 (BRCA2 DNA repair associated; plus strand). Cytogenetic location: 13q13.1.
Variant type: single nucleotide variant.
Coding change: c.5626G>A on transcript NM_000059.4 (MANE Select); coding-DNA position 5626, G replaced by A.
Protein change: p.Glu1876Lys; replaces glutamic acid 1876 with lysine.
Molecular consequence: missense variant.
Genome position (GRCh38, 1-based): chr13:32,339,981, G>A. VCF-style: chr13-32339981-G-A. GRCh37 (hg19) VCF-style: chr13-32914118-G-A.
Other names: short protein forms E1876K.
Identifiers: ClinVar variation 185421 (VCV000185421.28), dbSNP rs397507793, ClinGen allele CA022738.

ClinVar aggregate classification (germline): Conflicting classifications of pathogenicity. Review status: criteria provided, conflicting classifications (1 of 4 stars). 9 submissions from 9 submitters: Uncertain significance (7); Likely benign (2). Last evaluated 2025-10-14.

Conditions:
Hereditary cancer-predisposing syndrome. Also called: Tumor predisposition; Hereditary Cancer Syndrome; Hereditary neoplastic syndrome; Neoplastic Syndromes, Hereditary. Identifiers: Orphanet 140162, MedGen C0027672, MeSH D009386, MONDO:0015356.
Hereditary breast ovarian cancer syndrome. Also called: Breast and ovarian cancer; Hereditary breast and ovarian cancer syndrome; Hereditary breast and ovarian cancer; BRCA1- and BRCA2-Associated Hereditary Breast and Ovarian Cancer; Hereditary breast and ovarian cancer syndrome (HBOC); Hereditary breast and/or ovarian cancer syndrome. Identifiers: Orphanet 145, MedGen C0677776, MeSH D061325, MONDO:0003582. Disease mechanism: loss of function.
Breast-ovarian cancer, familial, susceptibility to, 2 (BROVCA2). Also called: BRCA2 Hereditary Breast and Ovarian Cancer. Identifiers: Orphanet 145, MedGen C2675520, MONDO:0012933, OMIM 612555. Disease mechanism: loss of function.

Allele frequency attached by ClinVar (database versions not stated): gnomAD exomes below 0.00001; ExAC 0.00001; gnomAD 0.00003 and 0.00004; TOPMed 0.00003.
gnomAD v4.1: 6 of 1,611,102 alleles (0.00037%); highest among the groups gnomAD compares: African/African-American, 0.008%; no homozygotes.

Submissions (9):

Color Diagnostics, LLC DBA Color Health
Classification: Uncertain significance for Hereditary cancer-predisposing syndrome. Last evaluated: 2025-10-14. Review status: criteria provided, single submitter. Criteria: ACMG Guidelines, 2015. Collection method: clinical testing. Allele origin: germline.
Comment: This missense variant replaces glutamic acid with lysine at codon 1876 of the BRCA2 protein. Computational prediction suggests that this variant may not impact protein structure and function. To our knowledge, functional studies have not been reported for this variant. This variant has been reported in an individual affected with breast cancer and a multifactorial analysis has reported a likelihood ratio of 0.351 based on personal and family history (PMID: 22034289, 31853058). This variant has been identified in 6/1611102 chromosomes in the general population by the Genome Aggregation Database (gnomAD). The available evidence is insufficient to determine the role of this variant in disease conclusively. Therefore, this variant is classified as a Variant of Uncertain Significance.

Labcorp Genetics (formerly Invitae), Labcorp
Classification: Uncertain significance for Hereditary breast ovarian cancer syndrome. Last evaluated: 2025-08-27. Review status: criteria provided, single submitter. Criteria: Invitae Variant Classification Sherloc (09022015). Collection method: clinical testing. Allele origin: germline.
Comment: This sequence change replaces glutamic acid, which is acidic and polar, with lysine, which is basic and polar, at codon 1876 of the BRCA2 protein (p.Glu1876Lys). This variant is present in population databases (rs397507793, gnomAD 0.02%). This missense change has been observed in individual(s) with breast cancer (PMID: 22034289, 26287763). ClinVar contains an entry for this variant (Variation ID: 185421). Invitae Evidence Modeling of protein sequence and biophysical properties (such as structural, functional, and spatial information, amino acid conservation, physicochemical variation, residue mobility, and thermodynamic stability) indicates that this missense variant is not expected to disrupt BRCA2 protein function with a negative predictive value of 95%. In summary, the available evidence is currently insufficient to determine the role of this variant in disease. Therefore, it has been classified as a Variant of Uncertain Significance.

Women's Health and Genetics/Laboratory Corporation of America, LabCorp
Classification: Uncertain significance. Last evaluated: 2025-07-14. Review status: criteria provided, single submitter. Criteria: LabCorp Variant Classification Summary - May 2015. Collection method: clinical testing. Allele origin: germline.
Comment: Variant summary: BRCA2 c.5626G>A (p.Glu1876Lys) results in a conservative amino acid change in the encoded protein sequence. Algorithms developed to predict the effect of missense changes on protein structure and function all suggest that this variant is likely to be tolerated. The variant allele was found at a frequency of 4e-06 in 247820 control chromosomes (exclusively found within the African/African American subpopulation) in the gnomAD database. The available data on variant occurrences in the general population are insufficient to allow any conclusion about variant significance. c.5626G>A has been observed in African/African American individuals affected with Hereditary Breast And Ovarian Cancer Syndrome without strong evidence for causality (Pal_2015, Fackenthal_2012), however the variant was also reported in the FLOSSIES database in 1/2559 African American women, who were older than age 70 years who have never had cancer. These reports do not provide unequivocal conclusions about association of the variant with Hereditary Breast And Ovarian Cancer Syndrome. To our knowledge, no experimental evidence demonstrating an impact on protein function has been reported. The following publications have been ascertained in the context of this evaluation (PMID: 22034289, 26287763). ClinVar contains an entry for this variant (Variation ID: 185421). Based on the evidence outlined above, the variant was classified as uncertain significance.

Quest Diagnostics Nichols Institute San Juan Capistrano
Classification: Uncertain significance. Last evaluated: 2025-05-12. Review status: criteria provided, single submitter. Criteria: Quest Diagnostics criteria. Collection method: clinical testing. Allele origin: unknown.
Comment: The BRCA2 c.5626G>A (p.Glu1876Lys) variant has been reported in the published literature in individuals with breast cancer (PMID: 22034289 (2012), 26287763 (2015)), and described to be located in a region of the BRCA2 gene that is tolerant to missense sequence changes (PMID: 31911673 (2020)). The frequency of this variant in the general population (Genome Aggregation Database) is uninformative in the assessment of its pathogenicity. Analysis of this variant using bioinformatics tools for the prediction of the effect of amino acid changes on protein structure and function yielded predictions that this variant is benign. Based on the available information, we are unable to determine the clinical significance of this variant.

GeneDx
Classification: Uncertain significance. Last evaluated: 2024-06-30. Review status: criteria provided, single submitter. Criteria: GeneDx Variant Classification Process June 2021. Collection method: clinical testing. Allele origin: germline. Affected: yes.
Comment: Not observed at significant frequency in large population cohorts (gnomAD); Observed in an individual with breast cancer (PMID: 22034289); Also known as 5854G>A; In silico analysis indicates that this missense variant does not alter protein structure/function; This variant is associated with the following publications: (PMID: 25256751, 22034289)

Ambry Genetics
Classification: Uncertain significance for Hereditary cancer-predisposing syndrome. Last evaluated: 2023-11-21. Review status: criteria provided, single submitter. Criteria: Ambry Variant Classification Scheme 2023. Collection method: clinical testing. Allele origin: germline.
Comment: The p.E1876K variant (also known as c.5626G>A), located in coding exon 10 of the BRCA2 gene, results from a G to A substitution at nucleotide position 5626. The glutamic acid at codon 1876 is replaced by lysine, an amino acid with similar properties. (Fackenthal JD et al. Int. J. Cancer 2012 Sep; 131(5):1114-23; Pal T et al. Cancer, 2015 Dec;121:4173-80). Of note, this alteration is also designated as c.5854G>A in the published literature. This amino acid position is poorly conserved in available vertebrate species. In addition, this alteration is predicted to be tolerated by in silico analysis. Since supporting evidence is limited at this time, the clinical significance of this alteration remains unclear.

ARUP Laboratories, Molecular Genetics and Genomics, ARUP Laboratories
Classification: Likely benign. Last evaluated: 2023-09-21. Review status: criteria provided, single submitter. Criteria: ARUP Molecular Germline Variant Investigation Process 2024. Collection method: clinical testing. Allele origin: germline.

All of Us Research Program, National Institutes of Health
Classification: Uncertain significance for Breast-ovarian cancer, familial, susceptibility to, 2. Last evaluated: 2023-04-15. Review status: criteria provided, single submitter. Criteria: ACMG Guidelines, 2015. Collection method: clinical testing. Allele origin: germline. Inheritance: Autosomal dominant inheritance. Observed: 1 variant allele, 1 heterozygote.
Comment: This study involves interpretation of variants in research participants for the purpose of population health screening. Participant phenotype was not available at the time of variant classification. Additional details can be found in publication PMID: 35346344, PMCID: PMC8962531

University of Washington Department of Laboratory Medicine, University of Washington
Classification: Likely benign for Hereditary cancer-predisposing syndrome. Last evaluated: 2023-03-23. Review status: criteria provided, single submitter. Criteria: Dines et al. (Genet Med. 2020). Collection method: curation. Allele origin: germline.
Comment: Missense variant in a coldspot region where missense variants are very unlikely to be pathogenic (PMID:31911673).

BRCA2 exon 11 coldspot. Reclassification based on statistical prior probability.

Literature cited by the submitters: PubMed 22034289 (cited by 5 submitters); PubMed 31853058 (cited by Color Diagnostics, LLC DBA Color Health and Quest Diagnostics Nichols Institute San Juan Capistrano); PubMed 26287763 (cited by 4 submitters); PubMed 25256751 (cited by Quest Diagnostics Nichols Institute San Juan Capistrano); PubMed 31911673 (cited by Quest Diagnostics Nichols Institute San Juan Capistrano).